The following is an entry in ClinVar:

NM_002850.4(PTPRS):c.3687C>T (p.Gly1229=)

Gene: PTPRS (protein tyrosine phosphatase receptor type S; minus strand). Cytogenetic location: 19p13.3.
Variant type: single nucleotide variant.
Coding change: c.3687C>T on transcript NM_002850.4 (MANE Select); coding-DNA position 3687, C replaced by T.
Protein change: p.Gly1229=; no amino-acid change (glycine 1229 retained).
Molecular consequence: synonymous variant.
Genome position (GRCh38, 1-based): chr19:5,220,017, G>A on the plus strand (C>T on the coding strand, the complement: PTPRS is on the minus strand). VCF-style: chr19-5220017-G-A. GRCh37 (hg19) VCF-style: chr19-5220028-G-A.
Other names: c.3621C>T, p.Gly1207= (NM_001394011.1, NM_001394013.1, NM_130854.3); c.3648C>T, p.Gly1216= (NM_001394012.1); c.2394C>T, p.Gly798= (NM_130853.3); c.2406C>T, p.Gly802= (NM_130855.3).
Identifiers: ClinVar variation 3047361 (VCV003047361.2), dbSNP rs373392856, ClinGen allele CA9109476.

ClinVar aggregate classification (germline): Likely benign (0 of 4 stars; one submission).

Conditions:
PTPRS-related disorder. Also called: PTPRS-related condition.

Allele frequency attached by ClinVar (database versions not stated): ESP Exome Variant Server 0.00008; ExAC 0.00011; 1000 Genomes Project 0.00020; TOPMed 0.00025; gnomAD 0.00028; 1000 Genomes Project 30x 0.00031.
gnomAD v4.1: 142 of 1,614,052 alleles (0.0088%); highest among the groups gnomAD compares: African/African-American, 0.089%; no homozygotes.

Submission:

PreventionGenetics, part of Exact Sciences
Classification: Likely benign for PTPRS-related condition. Last evaluated: 2019-03-26. Review status: no assertion criteria provided. Collection method: clinical testing. Allele origin: germline.
Comment: This variant is classified as likely benign based on ACMG/AMP sequence variant interpretation guidelines (Richards et al. 2015 PMID: 25741868, with internal and published modifications).